The following is an entry in ClinVar:

ClinVar aggregate classification (germline): Uncertain significance. Review status: criteria provided, multiple submitters, no conflicts (2 of 4 stars). 3 submissions from 3 submitters: Uncertain significance (2). 1 of the submissions does not count toward it. Last evaluated 2025-02-28.

Conditions:
Hereditary cancer-predisposing syndrome. Also called: Neoplastic Syndromes, Hereditary; Tumor predisposition; Hereditary Cancer Syndrome; Hereditary neoplastic syndrome. Identifiers: Orphanet 140162, MedGen C0027672, MeSH D009386, MONDO:0015356.
Bloom syndrome (BLM). Also called: Bloom-Torre-Machacek syndrome. Identifiers: Orphanet 125, MedGen C0005859, MONDO:0008876, OMIM 210900.

Allele frequency attached by ClinVar (database versions not stated): gnomAD exomes below 0.00001.
gnomAD v4.1: 2 of 1,614,116 alleles (0.00012%); highest among the groups gnomAD compares: African/African-American, 0.0013%; no homozygotes.

Submissions (3):

Ambry Genetics
Classification: Uncertain significance for Hereditary cancer-predisposing syndrome. Last evaluated: 2025-02-28. Review status: criteria provided, single submitter. Criteria: Ambry Variant Classification Scheme 2023. Collection method: clinical testing. Allele origin: germline.
Comment: The p.C1364R variant (also known as c.4090T>C), located in coding exon 21 of the BLM gene, results from a T to C substitution at nucleotide position 4090. The cysteine at codon 1364 is replaced by arginine, an amino acid with highly dissimilar properties. This amino acid position is conserved. In addition, this alteration is predicted to be tolerated by in silico analysis. Based on the available evidence, the clinical significance of this variant remains unclear.

Labcorp Genetics (formerly Invitae), Labcorp
Classification: Uncertain significance for Bloom syndrome. Last evaluated: 2023-12-13. Review status: criteria provided, single submitter. Criteria: Invitae Variant Classification Sherloc (09022015). Collection method: clinical testing. Allele origin: germline.
Comment: This sequence change replaces cysteine, which is neutral and slightly polar, with arginine, which is basic and polar, at codon 1364 of the BLM protein (p.Cys1364Arg). This variant is not present in population databases (gnomAD no frequency). This variant has not been reported in the literature in individuals affected with BLM-related conditions. ClinVar contains an entry for this variant (Variation ID: 639565). Advanced modeling of protein sequence and biophysical properties (such as structural, functional, and spatial information, amino acid conservation, physicochemical variation, residue mobility, and thermodynamic stability) performed at Invitae indicates that this missense variant is not expected to disrupt BLM protein function with a negative predictive value of 80%. In summary, the available evidence is currently insufficient to determine the role of this variant in disease. Therefore, it has been classified as a Variant of Uncertain Significance.

Natera, Inc.
Classification: Uncertain significance for Bloom syndrome. Last evaluated: 2020-07-10. Review status: no assertion criteria provided. Collection method: clinical testing. Allele origin: germline. Not counted in ClinVar's aggregate classification.

NM_000057.4(BLM):c.4090T>C (p.Cys1364Arg)

Gene: BLM (BLM RecQ like helicase; plus strand). Cytogenetic location: 15q26.1.
Variant type: single nucleotide variant.
Coding change: c.4090T>C on transcript NM_000057.4 (MANE Select); coding-DNA position 4090, T replaced by C.
Protein change: p.Cys1364Arg; replaces cysteine 1364 with arginine.
Molecular consequence: missense variant.
Genome position (GRCh38, 1-based): chr15:90,815,115, T>C. VCF-style: chr15-90815115-T-C. GRCh37 (hg19) VCF-style: chr15-91358345-T-C.
Other names: c.4090T>C, p.Cys1364Arg (NM_001287246.2); c.3697T>C, p.Cys1233Arg (NM_001287247.2); c.2965T>C, p.Cys989Arg (NM_001287248.2); c.4090T>C (NM_000057.2); short protein forms C1364R, C989R, C1233R.
Identifiers: ClinVar variation 639565 (VCV000639565.13), dbSNP rs1596276396, ClinGen allele CA393852068.